The following is an entry in ClinVar:

NM_004006.3(DMD):c.5278C>T (p.Leu1760Phe)

Gene: DMD (dystrophin; minus strand). Cytogenetic location: Xp21.1.
Variant type: single nucleotide variant.
Coding change: c.5278C>T on transcript NM_004006.3 (MANE Select); coding-DNA position 5278, C replaced by T.
Protein change: p.Leu1760Phe; replaces leucine 1760 with phenylalanine.
Molecular consequence: missense variant.
Genome position (GRCh38, 1-based): chrX:32,362,835, G>A on the plus strand (C>T on the coding strand, the complement: DMD is on the minus strand). VCF-style: chrX-32362835-G-A. GRCh37 (hg19) VCF-style: chrX-32380952-G-A.
Other names: c.5254C>T, p.Leu1752Phe (NM_000109.4); c.5266C>T, p.Leu1756Phe (NM_004009.3); c.4909C>T, p.Leu1637Phe (NM_004010.3); c.1255C>T, p.Leu419Phe (NM_004011.4); c.1246C>T, p.Leu416Phe (NM_004012.4); short protein forms L1637F, L1752F, L1756F, L1760F, L416F, L419F.
Identifiers: ClinVar variation 2660245 (VCV002660245.24), dbSNP rs2097841821, ClinGen allele CA412671062.

ClinVar aggregate classification (germline): Uncertain significance (1 of 4 stars; one submission).

Submission:

CeGaT Center for Human Genetics Tuebingen
Classification: Uncertain significance. Last evaluated: 2022-09-01. Review status: criteria provided, single submitter. Criteria: CeGaT Center For Human Genetics Tuebingen Variant Classification Criteria Version 2. Collection method: clinical testing. Allele origin: germline. Affected: yes. Observed: 1 variant allele.
Comment: DMD: PM2